The following is an entry in ClinVar:

NM_000548.5(TSC2):c.5194C>G (p.Pro1732Ala)

Gene: TSC2 (TSC complex subunit 2; plus strand). Cytogenetic location: 16p13.3.
Variant type: single nucleotide variant.
Coding change: c.5194C>G on transcript NM_000548.5 (MANE Select); coding-DNA position 5194, C replaced by G.
Protein change: p.Pro1732Ala; replaces proline 1732 with alanine.
Molecular consequence: missense variant.
Genome position (GRCh38, 1-based): chr16:2,088,260, C>G. VCF-style: chr16-2088260-C-G. GRCh37 (hg19) VCF-style: chr16-2138261-C-G.
Other names: c.4993C>G, p.Pro1665Ala (NM_001077183.3); c.5125C>G, p.Pro1709Ala (NM_001114382.3); c.4885C>G, p.Pro1629Ala (NM_001318827.2); c.4849C>G, p.Pro1617Ala (NM_001318829.2); c.4462C>G, p.Pro1488Ala (NM_001318831.2); c.5026C>G, p.Pro1676Ala (NM_001318832.2); c.4996C>G, p.Pro1666Ala (NM_001363528.2); c.5062C>G, p.Pro1688Ala (NM_001370404.1); and 2 more; short protein forms P1732A, P1676A, P1629A, P1665A, P1688A, P1617A, P1709A, P1488A.
Identifiers: ClinVar variation 575511 (VCV000575511.16), dbSNP rs759007975, ClinGen allele CA394314192.

ClinVar aggregate classification (germline): Uncertain significance. Review status: criteria provided, multiple submitters, no conflicts (2 of 4 stars). 4 submissions from 4 submitters: Uncertain significance (4). Last evaluated 2025-08-25.

Conditions:
Hereditary cancer-predisposing syndrome. Also called: Hereditary Cancer Syndrome; Neoplastic Syndromes, Hereditary; Tumor predisposition; Hereditary neoplastic syndrome. Identifiers: Orphanet 140162, MedGen C0027672, MeSH D009386, MONDO:0015356.
Tuberous sclerosis 2 (TSC2). Identifiers: Orphanet 805, MedGen C1860707, MONDO:0013199, OMIM 613254.
Hyperextensible hand joints. Identifiers: MedGen C1856877, HP:0005639.
Hyperextensibility at elbow. Identifiers: MedGen C4023808, HP:0010485.
Cafe-au-lait spot. Also called: café-au-lait spots; Café au Lait; Café-au-lait spot. Identifiers: MedGen C0221263, HP:0000957.
Arthralgia. Also called: Arthralgias; Joint pain; pain in joint. Identifiers: MedGen C0003862, HP:0002829.
Joint hypermobility. Also called: Joint hyperflexibility. Identifiers: MedGen C1862377, HP:0001382.
Tall stature. Identifiers: MedGen C0241240, HP:0000098.

Submissions (4):

Labcorp Genetics (formerly Invitae), Labcorp
Classification: Uncertain significance for Tuberous sclerosis 2. Last evaluated: 2025-08-25. Review status: criteria provided, single submitter. Criteria: Invitae Variant Classification Sherloc (09022015). Collection method: clinical testing. Allele origin: germline.
Comment: This sequence change replaces proline, which is neutral and non-polar, with alanine, which is neutral and non-polar, at codon 1732 of the TSC2 protein (p.Pro1732Ala). This variant is not present in population databases (gnomAD no frequency). This variant has not been reported in the literature in individuals affected with TSC2-related conditions. ClinVar contains an entry for this variant (Variation ID: 575511). Invitae Evidence Modeling of protein sequence and biophysical properties (such as structural, functional, and spatial information, amino acid conservation, physicochemical variation, residue mobility, and thermodynamic stability) indicates that this missense variant is not expected to disrupt TSC2 protein function with a negative predictive value of 95%. In summary, the available evidence is currently insufficient to determine the role of this variant in disease. Therefore, it has been classified as a Variant of Uncertain Significance.

Genome-Nilou Lab
Classification: Uncertain significance for Tuberous sclerosis 2. Last evaluated: 2021-11-07. Review status: criteria provided, single submitter. Criteria: ACMG Guidelines, 2015. Collection method: clinical testing. Allele origin: germline. Affected: no.

Ambry Genetics
Classification: Uncertain significance for Hereditary cancer-predisposing syndrome. Last evaluated: 2020-02-20. Review status: criteria provided, single submitter. Criteria: Ambry Variant Classification Scheme 2023. Collection method: clinical testing. Allele origin: germline.
Comment: The p.P1732A variant (also known as c.5194C>G), located in coding exon 40 of the TSC2 gene, results from a C to G substitution at nucleotide position 5194. The proline at codon 1732 is replaced by alanine, an amino acid with highly similar properties. This amino acid position is highly conserved in available vertebrate species. In addition, the in silico prediction for this alteration is inconclusive. Since supporting evidence is limited at this time, the clinical significance of this alteration remains unclear.

Centre for Mendelian Genomics, University Medical Centre Ljubljana
Classification: Uncertain significance for Tall stature; Cafe-au-lait spot; Joint hypermobility; Arthralgia; Hyperextensible hand joints; Hyperextensibility at elbow. Last evaluated: 2018-11-17. Review status: criteria provided, single submitter. Criteria: ACMG guidelines, Richards 2015. Collection method: clinical testing. Allele origin: germline. Affected: yes.
Comment: This variant was classified as: Uncertain significance. The available evidence on this varinat's pathogenicity is insufficient or conflicting. The following ACMG criteria were applied in classifying this variant: BP4. This variant was detected in heterozygous state.